The following is an entry in ClinVar:

NM_139058.3(ARX):c.1312G>A (p.Ala438Thr)

Gene: ARX (aristaless related homeobox; minus strand). Cytogenetic location: Xp21.3.
Variant type: single nucleotide variant.
Coding change: c.1312G>A on transcript NM_139058.3 (MANE Select); coding-DNA position 1312, G replaced by A.
Protein change: p.Ala438Thr; replaces alanine 438 with threonine.
Molecular consequence: missense variant.
Genome position (GRCh38, 1-based): chrX:25,007,247, C>T on the plus strand (G>A on the coding strand, the complement: ARX is on the minus strand). VCF-style: chrX-25007247-C-T. GRCh37 (hg19) VCF-style: chrX-25025364-C-T.
Other names: short protein forms A438T.
Identifiers: ClinVar variation 2944098 (VCV002944098.3), dbSNP rs2519101664, ClinGen allele CA412611276.

ClinVar aggregate classification (germline): Uncertain significance (1 of 4 stars; one submission).

Conditions:
Developmental and epileptic encephalopathy, 1 (DEE1). Also called: X-linked infantile spasms; West's syndrome; Tonic spasms with clustering, arrest of psychomotor development and hypsarrhythmia on EEG; X-Linked Infantile Spasm Syndrome; OHTAHARA SYNDROME, X-LINKED; INFANTILE SPASM SYNDROME, X-LINKED 1. Identifiers: MedGen C3463992, MONDO:0010632, OMIM 308350. Disease mechanism: loss of function.
Intellectual disability, X-linked, with or without seizures, ARX-related. Also called: Mental retardation, X-linked 52; MENTAL RETARDATION, X-LINKED 29; MENTAL RETARDATION, X-LINKED 32; MENTAL RETARDATION, X-LINKED 33; MENTAL RETARDATION, X-LINKED 38; MENTAL RETARDATION, X-LINKED 43. Identifiers: Orphanet 777, MedGen C0796244, MONDO:0010317, OMIM 300419.

Submission:

Labcorp Genetics (formerly Invitae), Labcorp
Classification: Uncertain significance for Developmental and epileptic encephalopathy, 1; Intellectual disability, X-linked, with or without seizures, ARX-related. Last evaluated: 2024-01-29. Review status: criteria provided, single submitter. Criteria: Invitae Variant Classification Sherloc (09022015). Collection method: clinical testing. Allele origin: germline.
Comment: This sequence change replaces alanine, which is neutral and non-polar, with threonine, which is neutral and polar, at codon 438 of the ARX protein (p.Ala438Thr). This variant is not present in population databases (gnomAD no frequency). This variant has not been reported in the literature in individuals affected with ARX-related conditions. Advanced modeling of protein sequence and biophysical properties (such as structural, functional, and spatial information, amino acid conservation, physicochemical variation, residue mobility, and thermodynamic stability) performed at Invitae indicates that this missense variant is not expected to disrupt ARX protein function with a negative predictive value of 80%. In summary, the available evidence is currently insufficient to determine the role of this variant in disease. Therefore, it has been classified as a Variant of Uncertain Significance.